The following is an entry in ClinVar:

NM_004006.3(DMD):c.9225-287C>A

Gene: DMD (dystrophin; minus strand). Cytogenetic location: Xp21.2.
Variant type: single nucleotide variant.
Coding change: c.9225-287C>A on transcript NM_004006.3 (MANE Select); 287 bases into the intron before coding-DNA position 9225, C replaced by A.
Molecular consequence: intron variant.
Genome position (GRCh38, 1-based): chrX:31,261,303, G>T on the plus strand (C>A on the coding strand, the complement: DMD is on the minus strand). VCF-style: chrX-31261303-G-T. GRCh37 (hg19) VCF-style: chrX-31279420-G-T.
Other names: c.9201-287C>A (NM_000109.4); c.5202-287C>A (NM_004011.4); c.5193-287C>A (NM_004012.4); c.1845-287C>A (NM_004023.3, NM_004020.4, NM_004022.3 and 2 more transcripts); c.1038-287C>A (NM_004014.3); c.21-287C>A (NM_004018.3, NM_004017.3, NM_004016.3 and 2 more transcripts); c.9213-287C>A (NM_004009.3); c.8856-287C>A (NM_004010.3).
Identifiers: ClinVar variation 1443859 (VCV001443859.8), dbSNP rs2050490437, ClinGen allele CA2573158747.

ClinVar aggregate classification (germline): Uncertain significance (1 of 4 stars; one submission).

Conditions:
Duchenne muscular dystrophy (DMD). Also called: Duchenne Muscular Dystrophy (DMD); MUSCULAR DYSTROPHY, PSEUDOHYPERTROPHIC PROGRESSIVE, DUCHENNE TYPE. Identifiers: Orphanet 98896, MedGen C0013264, MONDO:0010679, OMIM 310200.

Submission:

Labcorp Genetics (formerly Invitae), Labcorp
Classification: Uncertain significance for Duchenne muscular dystrophy. Last evaluated: 2022-02-02. Review status: criteria provided, single submitter. Criteria: Invitae Variant Classification Sherloc (09022015). Collection method: clinical testing. Allele origin: germline.
Comment: In summary, the available evidence is currently insufficient to determine the role of this variant in disease. Therefore, it has been classified as a Variant of Uncertain Significance. Experimental studies and prediction algorithms are not available or were not evaluated, and the effect of this variant on mRNA splicing is currently unknown. This sequence change falls in intron 62 of the DMD gene. It does not directly change the encoded amino acid sequence of the DMD protein. The frequency data for this variant in the population databases is considered unreliable, as metrics indicate insufficient coverage at this position in the gnomAD database. This variant has been observed in individual(s) with Duchenne muscular dystrophy (PMID: 28859693).

Literature cited by the submitters: PubMed 28859693.